The following is an entry in ClinVar:

ClinVar aggregate classification (germline): Uncertain significance. Review status: criteria provided, multiple submitters, no conflicts (2 of 4 stars). 3 submissions from 3 submitters: Uncertain significance (3). Last evaluated 2023-10-17.

Conditions:
Malignant hyperthermia, susceptibility to, 1 (MHS1). Also called: Anesthesia related hyperthermia; Malignant hyperpyrexia; Fulminating hyperpyrexia; Pharmacogenic myopathy; RYR1-Related Malignant Hyperthermia Susceptibility; Malignant hyperthermia suceptibility 1. Identifiers: Orphanet 423, MedGen C2930980, MONDO:0007783, OMIM 145600.
Central core myopathy (CMYO1A). Also called: CONGENITAL MYOPATHY 1A, AUTOSOMAL DOMINANT, WITH SUSCEPTIBILITY TO MALIGNANT HYPERTHERMIA; Central core disease; Myopathy, central fibrillar. Identifiers: Orphanet 597, MedGen C5830701, MONDO:0007294, OMIM 117000.
Congenital multicore myopathy with external ophthalmoplegia (CMYO1B). Also called: MULTICORE MYOPATHY; MULTIMINICORE DISEASE WITH EXTERNAL OPHTHALMOPLEGIA; Congenital myopathy 1B, autosomal recessive; Minicore myopathy; Minicore myopathy with external ophthalmoplegia. Identifiers: Orphanet 598, Orphanet 98905, MedGen C1850674, MONDO:0009712, OMIM 255320, HP:0003789.
King Denborough syndrome (KDS). Identifiers: MedGen C1840365, MONDO:0020485, OMIM 619542.
RYR1-related disorder. Also called: RYR1-related disorders; RYR1-related condition. Identifiers: MedGen CN239331.

Allele frequency attached by ClinVar (database versions not stated): ExAC 0.00001; gnomAD 0.00001 and 0.00002; gnomAD exomes 0.00002; TOPMed 0.00002.
gnomAD v4.1: 28 of 1,613,680 alleles (0.0017%); highest among the groups gnomAD compares: East Asian, 0.0089%; no homozygotes.

Submissions (3):

Labcorp Genetics (formerly Invitae), Labcorp
Classification: Uncertain significance for RYR1-related disorder. Last evaluated: 2023-10-17. Review status: criteria provided, single submitter. Criteria: Invitae Variant Classification Sherloc (09022015). Collection method: clinical testing. Allele origin: germline.
Comment: This sequence change replaces alanine, which is neutral and non-polar, with threonine, which is neutral and polar, at codon 2455 of the RYR1 protein (p.Ala2455Thr). This variant is present in population databases (rs765019465, gnomAD 0.01%). This missense change has been observed in individual(s) with clinical features of RYR1-related conditions (Invitae). ClinVar contains an entry for this variant (Variation ID: 850792). Advanced modeling of protein sequence and biophysical properties (such as structural, functional, and spatial information, amino acid conservation, physicochemical variation, residue mobility, and thermodynamic stability) has been performed at Invitae for this missense variant, however the output from this modeling did not meet the statistical confidence thresholds required to predict the impact of this variant on RYR1 protein function. In summary, the available evidence is currently insufficient to determine the role of this variant in disease. Therefore, it has been classified as a Variant of Uncertain Significance.

Revvity Omics, Revvity
Classification: Uncertain significance. Last evaluated: 2023-09-05. Review status: criteria provided, single submitter. Criteria: ACMG Guidelines, 2015. Collection method: clinical testing. Allele origin: germline.

Kariminejad - Najmabadi Pathology & Genetics Center
Classification: Uncertain significance for Central core myopathy; King Denborough syndrome; Congenital multicore myopathy with external ophthalmoplegia; Malignant hyperthermia, susceptibility to, 1. Last evaluated: 2020-03-09. Review status: criteria provided, single submitter. Criteria: ACMG Guidelines, 2015. Collection method: clinical testing. Allele origin: germline. Inheritance: Autosomal dominant inheritance. Affected: yes.
Comment: PM1, PP2, PP3

NM_000540.3(RYR1):c.7363G>A (p.Ala2455Thr)

Gene: RYR1 (ryanodine receptor 1; plus strand). Cytogenetic location: 19q13.2.
Variant type: single nucleotide variant.
Coding change: c.7363G>A on transcript NM_000540.3 (MANE Select); coding-DNA position 7363, G replaced by A.
Protein change: p.Ala2455Thr; replaces alanine 2455 with threonine.
Molecular consequence: missense variant.
Genome position (GRCh38, 1-based): chr19:38,500,645, G>A. VCF-style: chr19-38500645-G-A. GRCh37 (hg19) VCF-style: chr19-38991285-G-A.
Other names: c.7363G>A, p.Ala2455Thr (NM_001042723.2); short protein forms A2455T.
Identifiers: ClinVar variation 850792 (VCV000850792.11), dbSNP rs765019465, ClinGen allele CA069575.